The following is an entry in ClinVar:

ClinVar aggregate classification (germline): Uncertain significance (1 of 4 stars; one submission).

Submission:

Labcorp Genetics (formerly Invitae), Labcorp
Classification: Uncertain significance. Last evaluated: 2024-08-06. Review status: criteria provided, single submitter. Criteria: Invitae Variant Classification Sherloc (09022015). Collection method: clinical testing. Allele origin: germline.
Comment: This sequence change falls in intron 3 of the GFAP gene. It does not directly change the encoded amino acid sequence of the GFAP protein. It affects a nucleotide within the consensus splice site. This variant is not present in population databases (gnomAD no frequency). This variant has not been reported in the literature in individuals affected with GFAP-related conditions. ClinVar contains an entry for this variant (Variation ID: 2074711). Variants that disrupt the consensus splice site are a relatively common cause of aberrant splicing (PMID: 17576681, 9536098). Algorithms developed to predict the effect of sequence changes on RNA splicing suggest that this variant is not likely to affect RNA splicing. In summary, the available evidence is currently insufficient to determine the role of this variant in disease. Therefore, it has been classified as a Variant of Uncertain Significance.

Literature cited by the submitters: PubMed 17576681; PubMed 9536098.

NM_002055.5(GFAP):c.618+6G>A

Gene: GFAP (glial fibrillary acidic protein; minus strand). Cytogenetic location: 17q21.31.
Variant type: single nucleotide variant.
Coding change: c.618+6G>A on transcript NM_002055.5 (MANE Select); 6 bases into the intron after coding-DNA position 618, G replaced by A.
Molecular consequence: intron variant.
Genome position (GRCh38, 1-based): chr17:44,913,722, C>T on the plus strand (G>A on the coding strand, the complement: GFAP is on the minus strand). VCF-style: chr17-44913722-C-T. GRCh37 (hg19) VCF-style: chr17-42991090-C-T.
Other names: c.618+6G>A (NM_001363846.2, NM_001131019.3, NM_001242376.3).
Identifiers: ClinVar variation 2074711 (VCV002074711.4), dbSNP rs2508942498, ClinGen allele CA2580094088.